The following is an entry in ClinVar:

NM_000051.4(ATM):c.7234A>G (p.Asn2412Asp)

Genes: ATM (ATM serine/threonine kinase; plus strand), C11orf65 (chromosome 11 open reading frame 65; minus strand). Cytogenetic location: 11q22.3.
Variant type: single nucleotide variant.
Coding change: c.7234A>G on transcript NM_000051.4 (MANE Select); coding-DNA position 7234, A replaced by G.
Protein change: p.Asn2412Asp; replaces asparagine 2412 with aspartic acid.
Molecular consequence: missense variant. On other transcripts: intron variant (2).
Genome position (GRCh38, 1-based): chr11:108,329,165, A>G. VCF-style: chr11-108329165-A-G. GRCh37 (hg19) VCF-style: chr11-108199892-A-G.
Other names: c.7234A>G, p.Asn2412Asp (NM_001351834.2); c.641-20094T>C (NM_001330368.2); c.*38+6055T>C (NM_001351110.2); short protein forms N2412D.
Identifiers: ClinVar variation 1016844 (VCV001016844.14), dbSNP rs2085991994, ClinGen allele CA382559690.

ClinVar aggregate classification (germline): Uncertain significance. Review status: criteria provided, multiple submitters, no conflicts (2 of 4 stars). 4 submissions from 4 submitters: Uncertain significance (4). Last evaluated 2025-11-03.

Conditions:
Hereditary cancer-predisposing syndrome. Also called: Neoplastic Syndromes, Hereditary; Tumor predisposition; Hereditary Cancer Syndrome; Hereditary neoplastic syndrome. Identifiers: Orphanet 140162, MedGen C0027672, MeSH D009386, MONDO:0015356.
Ataxia-telangiectasia syndrome (AT). Also called: Ataxia telangiectasia (A-T); ATAXIA-TELANGIECTASIA, COMPLEMENTATION GROUP A; ATAXIA-TELANGIECTASIA, FRESNO VARIANT; Ataxia-telangiectasia; Ataxia-telangiectasia, complementation group E; LOUIS-BAR SYNDROME. Identifiers: Orphanet 100, MedGen C0004135, MONDO:0008840, OMIM 208900.

Allele frequency attached by ClinVar (database versions not stated): TOPMed below 0.00001.

Submissions (4):

Labcorp Genetics (formerly Invitae), Labcorp
Classification: Uncertain significance for Ataxia-telangiectasia syndrome. Last evaluated: 2025-11-03. Review status: criteria provided, single submitter. Criteria: Invitae Variant Classification Sherloc (09022015). Collection method: clinical testing. Allele origin: germline.
Comment: This sequence change replaces asparagine, which is neutral and polar, with aspartic acid, which is acidic and polar, at codon 2412 of the ATM protein (p.Asn2412Asp). This variant is not present in population databases (gnomAD no frequency). This variant has not been reported in the literature in individuals affected with ATM-related conditions. ClinVar contains an entry for this variant (Variation ID: 1016844). Invitae Evidence Modeling of protein sequence and biophysical properties (such as structural, functional, and spatial information, amino acid conservation, physicochemical variation, residue mobility, and thermodynamic stability) indicates that this missense variant is not expected to disrupt ATM protein function with a negative predictive value of 95%. In summary, the available evidence is currently insufficient to determine the role of this variant in disease. Therefore, it has been classified as a Variant of Uncertain Significance.

Ambry Genetics
Classification: Uncertain significance for Hereditary cancer-predisposing syndrome. Last evaluated: 2025-09-29. Review status: criteria provided, single submitter. Criteria: Ambry Variant Classification Scheme 2023. Collection method: clinical testing. Allele origin: germline.
Comment: The p.N2412D variant (also known as c.7234A>G), located in coding exon 48 of the ATM gene, results from an A to G substitution at nucleotide position 7234. The asparagine at codon 2412 is replaced by aspartic acid, an amino acid with highly similar properties. This amino acid position is highly conserved in available vertebrate species. In addition, the in silico prediction for this alteration is inconclusive. Since supporting evidence is limited at this time, the clinical significance of this alteration remains unclear.

GeneDx
Classification: Uncertain significance. Last evaluated: 2023-07-25. Review status: criteria provided, single submitter. Criteria: GeneDx Variant Classification Process June 2021. Collection method: clinical testing. Allele origin: germline. Affected: yes.
Comment: Not observed at significant frequency in large population cohorts (gnomAD); In silico analysis supports that this missense variant does not alter protein structure/function; Has not been previously published as pathogenic or benign to our knowledge; This variant is associated with the following publications: (PMID: 23532176)

Mendelics
Classification: Uncertain significance. Last evaluated: 2022-05-04. Review status: criteria provided, single submitter. Criteria: Mendelics Assertion Criteria 2019. Collection method: clinical testing. Allele origin: germline.